The following is an entry in ClinVar:

ClinVar aggregate classification (germline): Uncertain significance (1 of 4 stars; one submission).

Allele frequency attached by ClinVar (database versions not stated): gnomAD exomes below 0.00001.
gnomAD v4.1: 1 of 1,614,134 alleles (0.000062%); highest among the groups gnomAD compares: Non-Finnish European, 0.000085%; no homozygotes.

Submission:

Labcorp Genetics (formerly Invitae), Labcorp
Classification: Uncertain significance. Last evaluated: 2022-03-19. Review status: criteria provided, single submitter. Criteria: Invitae Variant Classification Sherloc (09022015). Collection method: clinical testing. Allele origin: germline.
Comment: In summary, the available evidence is currently insufficient to determine the role of this variant in disease. Therefore, it has been classified as a Variant of Uncertain Significance. Algorithms developed to predict the effect of missense changes on protein structure and function output the following: SIFT: "Tolerated"; PolyPhen-2: "Benign"; Align-GVGD: "Class C0". The arginine amino acid residue is found in multiple mammalian species, which suggests that this missense change does not adversely affect protein function. ClinVar contains an entry for this variant (Variation ID: 1047507). This variant has not been reported in the literature in individuals affected with USH2A-related conditions. This variant is not present in population databases (gnomAD no frequency). This sequence change replaces glutamine, which is neutral and polar, with arginine, which is basic and polar, at codon 1252 of the USH2A protein (p.Gln1252Arg).

NM_206933.4(USH2A):c.3755A>G (p.Gln1252Arg)

Genes: USH2A (usherin; minus strand), USH2A-AS1 (USH2A antisense RNA 1; plus strand). Cytogenetic location: 1q41.
Variant type: single nucleotide variant.
Coding change: c.3755A>G on transcript NM_206933.4 (MANE Select); coding-DNA position 3755, A replaced by G.
Protein change: p.Gln1252Arg; replaces glutamine 1252 with arginine.
Molecular consequence: missense variant.
Genome position (GRCh38, 1-based): chr1:216,199,683, T>C on the plus strand (A>G on the coding strand, the complement: USH2A is on the minus strand). VCF-style: chr1-216199683-T-C. GRCh37 (hg19) VCF-style: chr1-216373025-T-C.
Other names: c.3755A>G, p.Gln1252Arg (NM_007123.6); short protein forms Q1252R.
Identifiers: ClinVar variation 1047507 (VCV001047507.10), dbSNP rs2034936624, ClinGen allele CA344867756.